The following is an entry in ClinVar:

NM_000383.4(AIRE):c.14_15del (p.Ala5fs)

Gene: AIRE (autoimmune regulator; plus strand). Cytogenetic location: 21q22.3.
Variant type: Microsatellite.
Coding change: c.14_15del on transcript NM_000383.4 (MANE Select); coding-DNA positions 14 to 15, 2 bases deleted (CG; older notation c.14_15delCG).
Protein change: p.Ala5fs; shifts the reading frame from alanine 5.
Molecular consequence: frameshift variant.
Genome position (GRCh38, 1-based): chr21:44,286,020-44,286,021, CG deleted; deleting any 2 consecutive bases within chr21:44,286,018-44,286,021 gives the same sequence; the c. name uses the placement nearest the transcript's 3' end. VCF-style (leftmost placement, unchanged base first): chr21-44286017-ACG-A. GRCh37 (hg19) VCF-style: chr21-45705900-ACG-A.
Other names: short protein forms A5fs.
Identifiers: ClinVar variation 1458570 (VCV001458570.6), dbSNP rs2146375012, ClinGen allele CA2580615216.

ClinVar aggregate classification (germline): Pathogenic (1 of 4 stars; one submission).

Conditions:
Polyglandular autoimmune syndrome, type 1 (APS1). Also called: Autoimmune polyendocrinopathy syndrome, type I; Autoimmune polyendocrinopathy syndrome , type I, with or without reversible metaphyseal dysplasia; AUTOIMMUNE POLYENDOCRINE SYNDROME, TYPE I, WITH OR WITHOUT REVERSIBLE METAPHYSEAL DYSPLASIA; APS I; PGA I; HYPOADRENOCORTICISM WITH HYPOPARATHYROIDISM AND SUPERFICIAL MONILIASIS. Identifiers: Orphanet 3453, MedGen C0085859, MONDO:0009411, OMIM 240300.

Submission:

Labcorp Genetics (formerly Invitae), Labcorp
Classification: Pathogenic for Polyglandular autoimmune syndrome, type 1. Last evaluated: 2024-08-21. Review status: criteria provided, single submitter. Criteria: Invitae Variant Classification Sherloc (09022015). Collection method: clinical testing. Allele origin: germline.
Comment: This sequence change creates a premature translational stop signal (p.Ala5Glyfs*29) in the AIRE gene. It is expected to result in an absent or disrupted protein product. Loss-of-function variants in AIRE are known to be pathogenic (PMID: 11524731, 26141571). This variant is not present in population databases (gnomAD no frequency). This variant has not been reported in the literature in individuals affected with AIRE-related conditions. For these reasons, this variant has been classified as Pathogenic.

Literature cited by the submitters: PubMed 11524731; PubMed 26141571.